The following is an entry in ClinVar:

ClinVar aggregate classification (germline): Conflicting classifications of pathogenicity. Review status: criteria provided, conflicting classifications (1 of 4 stars). 3 submissions from 3 submitters: Uncertain significance (2); Benign (1). Last evaluated 2024-12-03.

Conditions:
Idiopathic generalized epilepsy. Also called: Generalised epilepsy; EIG. Identifiers: MedGen C0270850, MONDO:0005579, OMIM 600669.
Hyperaldosteronism, familial, type IV (HALD4). Also called: FH IV; ALDOSTERONISM, PRIMARY, AND HYPERTENSION. Identifiers: Orphanet 642671, MedGen C4310756, MONDO:0014875, OMIM 617027.
Inborn genetic diseases. Identifiers: MedGen C0950123, MeSH D030342.

Allele frequency attached by ClinVar (database versions not stated): ExAC below 0.00001; gnomAD exomes 0.00004; TOPMed 0.00006; gnomAD 0.00007 and 0.00009.

Submissions (3):

Ambry Genetics
Classification: Uncertain significance for Inborn genetic diseases. Last evaluated: 2024-12-03. Review status: criteria provided, single submitter. Criteria: Ambry Variant Classification Scheme 2023. Collection method: clinical testing. Allele origin: germline.

Labcorp Genetics (formerly Invitae), Labcorp
Classification: Benign for Idiopathic generalized epilepsy; Hyperaldosteronism, familial, type IV. Last evaluated: 2024-03-14. Review status: criteria provided, single submitter. Criteria: Invitae Variant Classification Sherloc (09022015). Collection method: clinical testing. Allele origin: germline.

GeneDx
Classification: Uncertain significance. Last evaluated: 2022-02-27. Review status: criteria provided, single submitter. Criteria: GeneDx Variant Classification Process June 2021. Collection method: clinical testing. Allele origin: germline. Affected: yes.
Comment: In silico analysis supports that this missense variant does not alter protein structure/function; Has not been previously published as pathogenic or benign to our knowledge

NM_021098.3(CACNA1H):c.1673C>T (p.Ser558Leu)

Gene: CACNA1H (calcium voltage-gated channel subunit alpha1 H; plus strand). Cytogenetic location: 16p13.3.
Variant type: single nucleotide variant.
Coding change: c.1673C>T on transcript NM_021098.3 (MANE Select); coding-DNA position 1673, C replaced by T.
Protein change: p.Ser558Leu; replaces serine 558 with leucine.
Molecular consequence: missense variant.
Genome position (GRCh38, 1-based): chr16:1,202,123, C>T. VCF-style: chr16-1202123-C-T. GRCh37 (hg19) VCF-style: chr16-1252123-C-T.
Other names: c.1673C>T, p.Ser558Leu (NM_001005407.2); short protein forms S558L.
Identifiers: ClinVar variation 1005249 (VCV001005249.11), dbSNP rs771714007, ClinGen allele CA7799976.